The following is an entry in ClinVar:

NM_001042492.3(NF1):c.7614del (p.Gly2539fs)

Gene: NF1 (neurofibromin 1; plus strand). Cytogenetic location: 17q11.2.
Variant type: Deletion.
Coding change: c.7614del on transcript NM_001042492.3 (MANE Select); coding-DNA position 7614, one base deleted (T; older notation c.7614delT).
Protein change: p.Gly2539fs; shifts the reading frame from glycine 2539.
Molecular consequence: frameshift variant.
Genome position (GRCh38, 1-based): chr17:31,352,413, T deleted; the last of 2 consecutive T bases (chr17:31,352,412-31,352,413); deleting either gives the same sequence. VCF-style (leftmost placement, unchanged base first): chr17-31352411-CT-C. GRCh37 (hg19) VCF-style: chr17-29679429-CT-C.
Other names: c.7551delT (NM_000267.3); c.7551delT, p.Gly2518Glufs (NM_000267.4); short protein forms G2539fs, G2518fs.
Identifiers: ClinVar variation 872715 (VCV000872715.43), dbSNP rs2070173038, ClinGen allele CA1139665477.

ClinVar aggregate classification (germline): Pathogenic. Review status: criteria provided, multiple submitters, no conflicts (2 of 4 stars). 2 submissions from 2 submitters: Pathogenic (2). Last evaluated 2020-06-19.

Conditions:
Hereditary cancer-predisposing syndrome. Also called: Hereditary Cancer Syndrome; Tumor predisposition; Hereditary neoplastic syndrome; Neoplastic Syndromes, Hereditary. Identifiers: Orphanet 140162, MedGen C0027672, MeSH D009386, MONDO:0015356.
Cardiovascular phenotype. Identifiers: MedGen CN230736.

Submissions (2):

Ambry Genetics
Classification: Pathogenic for Cardiovascular phenotype; Hereditary cancer-predisposing syndrome. Last evaluated: 2020-06-19. Review status: criteria provided, single submitter. Criteria: Ambry Variant Classification Scheme 2023. Collection method: clinical testing. Allele origin: germline.
Comment: The c.7551delT pathogenic mutation, located in coding exon 50 of the NF1 gene, results from a deletion of one nucleotide at nucleotide position 7551, causing a translational frameshift with a predicted alternate stop codon (p.G2518Efs*9). This alteration is expected to result in loss of function by premature protein truncation or nonsense-mediated mRNA decay. As such, this alteration is interpreted as a disease-causing mutation.

CeGaT Center for Human Genetics Tuebingen
Classification: Pathogenic. Last evaluated: 2019-08-01. Review status: criteria provided, single submitter. Criteria: CeGaT Center For Human Genetics Tuebingen Variant Classification Criteria Version 2. Collection method: clinical testing. Allele origin: germline. Affected: yes. Observed: 1 variant allele.